The following is an entry in ClinVar:

ClinVar aggregate classification (germline): Uncertain significance (1 of 4 stars; one submission).

Conditions:
Mucopolysaccharidosis, MPS-IV-A (MPS4A). Also called: Mucopolysaccharidosis type IV A; Mucopolysaccharidosis Type IVA; Morquio syndrome A, mild; MORQUIO SYNDROME A; MPS IVA; mucopolysaccharidosis type 4A. Identifiers: Orphanet 309297, Orphanet 582, MedGen C0086651, MONDO:0009659, OMIM 253000.

Submission:

Laboratory of Diagnosis and Therapy of Lysosomal Disorders, University of Padova
Classification: Uncertain significance for Mucopolysaccharidosis, MPS-IV-A. Last evaluated: 2021-02-01. Review status: criteria provided, single submitter. Criteria: ACMG Guidelines, 2015. Collection method: curation. Allele origin: germline. Affected: yes.
Comment: Absent from gnomAD v2.1.1 (PM2_moderate); multiple lines of computational evidence support a deleterious effect on the gene (PP3_supporting)

Literature cited by the submitters: PubMed 27243974; PubMed 34387910.

NM_000512.5(GALNS):c.452C>G (p.Pro151Arg)

Gene: GALNS (galactosamine (N-acetyl)-6-sulfatase; minus strand). Cytogenetic location: 16q24.3.
Variant type: single nucleotide variant.
Coding change: c.452C>G on transcript NM_000512.5 (MANE Select); coding-DNA position 452, C replaced by G.
Protein change: p.Pro151Arg; replaces proline 151 with arginine.
Molecular consequence: missense variant. On other transcripts: 5 prime UTR variant (1).
Genome position (GRCh38, 1-based): chr16:88,837,736, G>C on the plus strand (C>G on the coding strand, the complement: GALNS is on the minus strand). VCF-style: chr16-88837736-G-C. GRCh37 (hg19) VCF-style: chr16-88904144-G-C.
Other names: c.-104C>G (NM_001323543.2); c.470C>G, p.Pro157Arg (NM_001323544.2); short protein forms P151R, P157R.
Identifiers: ClinVar variation 1048461 (VCV001048461.3), dbSNP rs559063128, ClinGen allele CA397083497.
Genomic context (GRCh38, chr16:88,837,736, plus strand): 5'-TCATAAGGTCCAAAGTGGCAGTTGGGGGATCCAAACCACTCATCAAATCCGTGCTTCAGG[G>C]GGTGGAACTGGGGCCTGTGACCCAGATGCCTGGAAACAGGAACCCAGGACACTTCAGGGA-3'
Protein context (NP_000503.1, residues 141-161): WHLGHRPQFH[Pro151Arg]LKHGFDEWFG